The following is an entry in ClinVar:

NM_000719.7(CACNA1C):c.2124G>A (p.Trp708Ter)

Gene: CACNA1C (calcium voltage-gated channel subunit alpha1 C; plus strand). Cytogenetic location: 12p13.33.
Variant type: single nucleotide variant.
Coding change: c.2124G>A on transcript NM_000719.7 (MANE Select); coding-DNA position 2124, G replaced by A.
Protein change: p.Trp708Ter; replaces tryptophan 708 with a stop codon.
Molecular consequence: nonsense.
Genome position (GRCh38, 1-based): chr12:2,582,842, G>A. VCF-style: chr12-2582842-G-A. GRCh37 (hg19) VCF-style: chr12-2692008-G-A.
Other names: c.2124G>A, p.Trp708Ter (NM_001129827.2, NM_001129829.2, NM_001129830.3 and 18 more transcripts); c.2115G>A, p.Trp705Ter (NM_001129844.2); short protein forms W705*, W708*.
Identifiers: ClinVar variation 1309913 (VCV001309913.5), dbSNP rs1555828602, ClinGen allele CA383371073.

ClinVar aggregate classification (germline): Uncertain significance. Review status: criteria provided, multiple submitters, no conflicts (2 of 4 stars). 2 submissions from 2 submitters: Uncertain significance (2). Last evaluated 2023-10-30.

Conditions:
Long QT syndrome (LQTS). Identifiers: MedGen C0023976, MeSH D008133, MONDO:0002442. Disease mechanism: loss of function. Inheritance: Various modes of inheritance.

Submissions (2):

Labcorp Genetics (formerly Invitae), Labcorp
Classification: Uncertain significance for Long QT syndrome. Last evaluated: 2023-10-30. Review status: criteria provided, single submitter. Criteria: Invitae Variant Classification Sherloc (09022015). Collection method: clinical testing. Allele origin: germline.
Comment: This sequence change creates a premature translational stop signal (p.Trp708*) in the CACNA1C gene. It is expected to result in an absent or disrupted protein product. However, the current clinical and genetic evidence is not sufficient to establish whether loss-of-function variants in CACNA1C cause disease. This variant is not present in population databases (gnomAD no frequency). This variant has not been reported in the literature in individuals affected with CACNA1C-related conditions. ClinVar contains an entry for this variant (Variation ID: 1309913). In summary, the available evidence is currently insufficient to determine the role of this variant in disease. Therefore, it has been classified as a Variant of Uncertain Significance.

GeneDx
Classification: Uncertain significance. Last evaluated: 2019-10-29. Review status: criteria provided, single submitter. Criteria: GeneDx Variant Classification Process June 2021. Collection method: clinical testing. Allele origin: germline. Affected: yes.
Comment: Not observed in large population cohorts (Lek et al., 2016); Nonsense variant predicted to result in protein truncation or nonsense mediated decay in a gene for which loss-of-function is not a known mechanism of disease; Has not been previously published as pathogenic or benign to our knowledge